The following is an entry in ClinVar:

ClinVar aggregate classification (germline): Uncertain significance. Review status: criteria provided, multiple submitters, no conflicts (2 of 4 stars). 2 submissions from 2 submitters: Uncertain significance (2). Last evaluated 2021-12-03.

Conditions:
Glycine encephalopathy. Also called: Non-ketotic hyperglycinemia; Nonketotic hyperglycinemia. Identifiers: Orphanet 407, MedGen C0751748, MONDO:0011612, HP:0008288.

Allele frequency attached by ClinVar (database versions not stated): gnomAD 0.00001; gnomAD exomes 0.00001; TOPMed 0.00001.
gnomAD v4.1: 7 of 1,612,822 alleles (0.00043%); highest among the groups gnomAD compares: African/African-American, 0.0053%; no homozygotes.

Submissions (2):

Labcorp Genetics (formerly Invitae), Labcorp
Classification: Uncertain significance for Glycine encephalopathy. Last evaluated: 2021-12-03. Review status: criteria provided, single submitter. Criteria: Invitae Variant Classification Sherloc (09022015). Collection method: clinical testing. Allele origin: germline.
Comment: This sequence change replaces valine, which is neutral and non-polar, with methionine, which is neutral and non-polar, at codon 280 of the GLDC protein (p.Val280Met). This variant is present in population databases (no rsID available, gnomAD 0.007%). This variant has not been reported in the literature in individuals affected with GLDC-related conditions. ClinVar contains an entry for this variant (Variation ID: 1304423). Algorithms developed to predict the effect of missense changes on protein structure and function are either unavailable or do not agree on the potential impact of this missense change (SIFT: "Tolerated"; PolyPhen-2: "Probably Damaging"; Align-GVGD: "Class C0"). In summary, the available evidence is currently insufficient to determine the role of this variant in disease. Therefore, it has been classified as a Variant of Uncertain Significance.

GeneDx
Classification: Uncertain significance. Last evaluated: 2018-12-12. Review status: criteria provided, single submitter. Criteria: GeneDx Variant Classification Process June 2021. Collection method: clinical testing. Allele origin: germline. Affected: yes.
Comment: Not observed at a significant frequency in large population cohorts (Lek et al., 2016; McVean et al., 2012; Exome Variant Server); In silico analysis, which includes protein predictors and evolutionary conservation, supports that this variant does not alter protein structure/function

NM_000170.3(GLDC):c.838G>A (p.Val280Met)

Gene: GLDC (glycine decarboxylase; minus strand). Cytogenetic location: 9p24.1.
Variant type: single nucleotide variant.
Coding change: c.838G>A on transcript NM_000170.3 (MANE Select); coding-DNA position 838, G replaced by A.
Protein change: p.Val280Met; replaces valine 280 with methionine.
Molecular consequence: missense variant.
Genome position (GRCh38, 1-based): chr9:6,605,154, C>T on the plus strand (G>A on the coding strand, the complement: GLDC is on the minus strand). VCF-style: chr9-6605154-C-T. GRCh37 (hg19) VCF-style: chr9-6605154-C-T.
Other names: short protein forms V280M.
Identifiers: ClinVar variation 1304423 (VCV001304423.4), dbSNP rs1258949524, ClinGen allele CA372896310.
Genomic context (GRCh38, chr9:6,605,154, plus strand): 5'-CGCCTCCACGGACCCCCCACAAGAAAGGTATACCTACCCCACTCTGATGAGCTCTCTCCA[C>T]GAGTTCCGTAAAGTCTTCCACCTTCCCCTCCGTGTCTGGGTACTGGAACAACACTCCACT-3'
Protein context (NP_000161.2, residues 270-290): EGKVEDFTEL[Val280Met]ERAHQSGSLA